The following is an entry in ClinVar:

NM_002230.4(JUP):c.1534C>G (p.Pro512Ala)

Gene: JUP (junction plakoglobin; minus strand). Cytogenetic location: 17q21.2.
Variant type: single nucleotide variant.
Coding change: c.1534C>G on transcript NM_002230.4 (MANE Select); coding-DNA position 1534, C replaced by G.
Protein change: p.Pro512Ala; replaces proline 512 with alanine.
Molecular consequence: missense variant.
Genome position (GRCh38, 1-based): chr17:41,758,834, G>C on the plus strand (C>G on the coding strand, the complement: JUP is on the minus strand). VCF-style: chr17-41758834-G-C. GRCh37 (hg19) VCF-style: chr17-39915086-G-C.
Other names: c.1534C>G, p.Pro512Ala (NM_001352773.2, NM_001352774.2, NM_001352775.2 and 3 more transcripts); short protein forms P512A.
Identifiers: ClinVar variation 2222075 (VCV002222075.5), dbSNP rs1555599840, ClinGen allele CA399494054.

ClinVar aggregate classification (germline): Uncertain significance. Review status: criteria provided, multiple submitters, no conflicts (2 of 4 stars). 2 submissions from 2 submitters: Uncertain significance (2). Last evaluated 2024-01-07.

Conditions:
Cardiovascular phenotype. Identifiers: MedGen CN230736.
Naxos disease (NXD). Also called: WOOLLY HAIR, PALMOPLANTAR KERATODERMA, AND CARDIAC ABNORMALITIES; CARDIOMYOPATHY, ARRHYTHMOGENIC RIGHT VENTRICULAR, WITH SKIN, HAIR, AND NAIL ABNORMALITIES; KERATOSIS PALMOPLANTARIS WITH ARRHYTHMOGENIC CARDIOMYOPATHY; MAL DE NAXOS; PALMOPLANTAR KERATODERMA WITH ARRHYTHMOGENIC RIGHT VENTRICULAR CARDIOMYOPATHY AND WOOLLY HAIR. Identifiers: Orphanet 34217, MedGen C1832600, MONDO:0011017, OMIM 601214.
Arrhythmogenic right ventricular dysplasia 12. Also called: ARRHYTHMOGENIC RIGHT VENTRICULAR DYSPLASIA, FAMILIAL, 12. Identifiers: MedGen C1969081, MONDO:0012684, OMIM 611528.

Submissions (2):

Labcorp Genetics (formerly Invitae), Labcorp
Classification: Uncertain significance for Arrhythmogenic right ventricular dysplasia 12; Naxos disease. Last evaluated: 2024-01-07. Review status: criteria provided, single submitter. Criteria: Invitae Variant Classification Sherloc (09022015). Collection method: clinical testing. Allele origin: germline.
Comment: This sequence change replaces proline, which is neutral and non-polar, with alanine, which is neutral and non-polar, at codon 512 of the JUP protein (p.Pro512Ala). This variant is present in population databases (no rsID available, gnomAD 0.0009%). This variant has not been reported in the literature in individuals affected with JUP-related conditions. ClinVar contains an entry for this variant (Variation ID: 2222075). An algorithm developed to predict the effect of missense changes on protein structure and function (PolyPhen-2) suggests that this variant is likely to be tolerated. In summary, the available evidence is currently insufficient to determine the role of this variant in disease. Therefore, it has been classified as a Variant of Uncertain Significance.

Ambry Genetics
Classification: Uncertain significance for Cardiovascular phenotype. Last evaluated: 2023-12-29. Review status: criteria provided, single submitter. Criteria: Ambry Variant Classification Scheme 2023. Collection method: clinical testing. Allele origin: germline.
Comment: The p.P512A variant (also known as c.1534C>G), located in coding exon 8 of the JUP gene, results from a C to G substitution at nucleotide position 1534. The proline at codon 512 is replaced by alanine, an amino acid with highly similar properties. This amino acid position is conserved. In addition, this alteration is predicted to be tolerated by in silico analysis. Since supporting evidence is limited at this time, the clinical significance of this alteration remains unclear.